The following is an entry in ClinVar:

ClinVar aggregate classification (germline): Uncertain significance (1 of 4 stars; one submission).

Submission:

GeneDx
Classification: Uncertain significance. Last evaluated: 2025-04-28. Review status: criteria provided, single submitter. Criteria: GeneDx Variant Classification Process June 2021. Collection method: clinical testing. Allele origin: germline. Affected: yes.
Comment: Not observed at significant frequency in large population cohorts (gnomAD); In silico analysis supports that this missense variant has a deleterious effect on protein structure/function; Has not been previously published as pathogenic or benign to our knowledge

NM_015030.2(FRYL):c.6352C>T (p.Pro2118Ser)

Gene: FRYL (FRY like transcription coactivator; minus strand). Cytogenetic location: 4p11.
Variant type: single nucleotide variant.
Coding change: c.6352C>T on transcript NM_015030.2 (MANE Select); coding-DNA position 6352, C replaced by T.
Protein change: p.Pro2118Ser; replaces proline 2118 with serine.
Molecular consequence: missense variant.
Genome position (GRCh38, 1-based): chr4:48,540,012, G>A on the plus strand (C>T on the coding strand, the complement: FRYL is on the minus strand). VCF-style: chr4-48540012-G-A. GRCh37 (hg19) VCF-style: chr4-48542029-G-A.
Other names: short protein forms P2118S.
Identifiers: ClinVar variation 4527453 (VCV004527453.1).